The following is an entry in ClinVar:

ClinVar aggregate classification (germline): Uncertain significance. Review status: criteria provided, multiple submitters, no conflicts (2 of 4 stars). 4 submissions from 4 submitters: Uncertain significance (4). Last evaluated 2024-11-05.

Conditions:
Schwartz-Jampel syndrome. Also called: Myotonic myopathy dwarfism chondrodystrophy and ocular and facial abnormalities. Identifiers: Orphanet 800, MedGen C0036391, MONDO:0009717.

Allele frequency attached by ClinVar (database versions not stated): gnomAD 0.00004; TOPMed 0.00005; ExAC 0.00007; gnomAD exomes 0.00007.
gnomAD v4.1: 104 of 1,608,492 alleles (0.0065%); highest among the groups gnomAD compares: Middle Eastern, 0.1%; no homozygotes.

Submissions (4):

Blueprint Genetics
Classification: Uncertain significance. Last evaluated: 2024-11-05. Review status: criteria provided, single submitter. Criteria: ACMG Guidelines, 2015. Collection method: clinical testing. Allele origin: germline.

Labcorp Genetics (formerly Invitae), Labcorp
Classification: Uncertain significance. Last evaluated: 2022-04-30. Review status: criteria provided, single submitter. Criteria: Invitae Variant Classification Sherloc (09022015). Collection method: clinical testing. Allele origin: germline.
Comment: This sequence change replaces aspartic acid, which is acidic and polar, with asparagine, which is neutral and polar, at codon 2212 of the HSPG2 protein (p.Asp2212Asn). This variant is present in population databases (rs780545355, gnomAD 0.01%). This missense change has been observed in individual(s) with intellectual disability (PMID: 29302074). ClinVar contains an entry for this variant (Variation ID: 915381). Algorithms developed to predict the effect of missense changes on protein structure and function are either unavailable or do not agree on the potential impact of this missense change (SIFT: "Tolerated"; PolyPhen-2: "Probably Damaging"; Align-GVGD: "Class C0"). In summary, the available evidence is currently insufficient to determine the role of this variant in disease. Therefore, it has been classified as a Variant of Uncertain Significance.

Genomic Research Center, Shahid Beheshti University of Medical Sciences
Classification: Uncertain significance for Schwartz-Jampel syndrome type 1. Last evaluated: 2020-05-03. Review status: criteria provided, single submitter. Criteria: ACMG Guidelines, 2015. Collection method: clinical testing. Allele origin: unknown. Affected: yes.

GeneDx
Classification: Uncertain significance. Last evaluated: 2020-03-24. Review status: criteria provided, single submitter. Criteria: GeneDx Variant Classification Process June 2021. Collection method: clinical testing. Allele origin: germline. Affected: yes.
Comment: In silico analysis supports that this missense variant has a deleterious effect on protein structure/function; This variant is associated with the following publications: (PMID: 29302074)

Literature cited by the submitters: PubMed 29302074 (cited by Labcorp Genetics (formerly Invitae), Labcorp).

NM_005529.7(HSPG2):c.6634G>A (p.Asp2212Asn)

Genes: HSPG2 (heparan sulfate proteoglycan 2; minus strand), LOC126805655 (CDK7 strongly-dependent group 2 enhancer GRCh37_chr1:22178409-22179608; plus strand). Cytogenetic location: 1p36.12.
Variant type: single nucleotide variant.
Coding change: c.6634G>A on transcript NM_005529.7 (MANE Select); coding-DNA position 6634, G replaced by A.
Protein change: p.Asp2212Asn; replaces aspartic acid 2212 with asparagine.
Molecular consequence: missense variant.
Genome position (GRCh38, 1-based): chr1:21,852,790, C>T on the plus strand (G>A on the coding strand, the complement: HSPG2 is on the minus strand). VCF-style: chr1-21852790-C-T. GRCh37 (hg19) VCF-style: chr1-22179283-C-T.
Other names: c.6637G>A, p.Asp2213Asn (NM_001291860.2); c.6634G>A (NM_005529.5); short protein forms D2213N, D2212N.
Identifiers: ClinVar variation 915381 (VCV000915381.9), dbSNP rs780545355, ClinGen allele CA671469.